The following is an entry in ClinVar:

NM_001042492.3(NF1):c.6235G>C (p.Ala2079Pro)

Gene: NF1 (neurofibromin 1; plus strand). Cytogenetic location: 17q11.2.
Variant type: single nucleotide variant.
Coding change: c.6235G>C on transcript NM_001042492.3 (MANE Select); coding-DNA position 6235, G replaced by C.
Protein change: p.Ala2079Pro; replaces alanine 2079 with proline.
Molecular consequence: missense variant.
Genome position (GRCh38, 1-based): chr17:31,336,722, G>C. VCF-style: chr17-31336722-G-C. GRCh37 (hg19) VCF-style: chr17-29663740-G-C.
Other names: c.6172G>C, p.Ala2058Pro (NM_000267.4); short protein forms A2058P, A2079P.
Identifiers: ClinVar variation 2636278 (VCV002636278.1), dbSNP rs2151554542, ClinGen allele CA399012061.

ClinVar aggregate classification (germline): Uncertain significance (1 of 4 stars; one submission).

Conditions:
NF1-related disorder. Also called: NF1-related condition. Identifiers: MedGen CN379171.

Submission:

PreventionGenetics, part of Exact Sciences
Classification: Uncertain significance for NF1-related condition. Last evaluated: 2022-08-26. Review status: criteria provided, single submitter. Criteria: ACMG Guidelines, 2015. Collection method: clinical testing. Allele origin: germline.
Comment: The NF1 c.6235G>C variant is predicted to result in the amino acid substitution p.Ala2079Pro. To our knowledge, this variant has not been reported in the literature or in a large population database, indicating this variant is rare. At this time, the clinical significance of this variant is uncertain due to the absence of conclusive functional and genetic evidence.